The following is an entry in ClinVar:

NM_001363711.2(DUOX2):c.3423_3424del (p.His1141fs)

Gene: DUOX2 (dual oxidase 2; minus strand). Cytogenetic location: 15q21.1.
Variant type: Microsatellite.
Coding change: c.3423_3424del on transcript NM_001363711.2 (MANE Select); coding-DNA positions 3423 to 3424, 2 bases deleted (CA; older notation c.3423_3424delCA).
Protein change: p.His1141fs; shifts the reading frame from histidine 1141.
Molecular consequence: frameshift variant.
Genome position (GRCh38, 1-based): chr15:45,099,474-45,099,475, TG deleted on the plus strand (CA on the coding strand, the reverse complement: DUOX2 is on the minus strand); deleting any 2 consecutive bases within chr15:45,099,474-45,099,477 gives the same sequence; the c. name uses the placement nearest the transcript's 3' end. VCF-style (leftmost placement, unchanged base first): chr15-45099473-CTG-C. GRCh37 (hg19) VCF-style: chr15-45391671-CTG-C.
Other names: c.3423_3424del, p.His1141fs (NM_014080.5); short protein forms H1141fs.
Identifiers: ClinVar variation 1690516 (VCV001690516.5), dbSNP rs1009807148, ClinGen allele CA270122272.

ClinVar aggregate classification (germline): Pathogenic/Likely pathogenic. Review status: criteria provided, multiple submitters, no conflicts (2 of 4 stars). 2 submissions from 2 submitters: Pathogenic (1); Likely pathogenic (1). Last evaluated 2023-03-18.

Submissions (2):

Labcorp Genetics (formerly Invitae), Labcorp
Classification: Pathogenic. Last evaluated: 2023-03-18. Review status: criteria provided, single submitter. Criteria: Invitae Variant Classification Sherloc (09022015). Collection method: clinical testing. Allele origin: germline.
Comment: For these reasons, this variant has been classified as Pathogenic. This variant has not been reported in the literature in individuals affected with DUOX2-related conditions. Algorithms developed to predict the effect of sequence changes on RNA splicing suggest that this variant may disrupt the consensus splice site. This sequence change creates a premature translational stop signal (p.His1141Glnfs*30) in the DUOX2 gene. It is expected to result in an absent or disrupted protein product. Loss-of-function variants in DUOX2 are known to be pathogenic (PMID: 12110737, 18765513, 21565790, 24423310, 24735383). This variant is present in population databases (no rsID available, gnomAD 0.01%).

Laboratorio de Genetica e Diagnostico Molecular, Hospital Israelita Albert Einstein
Classification: Likely pathogenic. Last evaluated: 2021-12-09. Review status: criteria provided, single submitter. Criteria: ACMG Guidelines, 2015. Collection method: clinical testing. Allele origin: germline. Affected: yes.
Comment: ACMG classification criteria: PVS1, PM2

Literature cited by the submitters: PubMed 12110737 (cited by Labcorp Genetics (formerly Invitae), Labcorp); PubMed 18765513 (cited by Labcorp Genetics (formerly Invitae), Labcorp); PubMed 21565790 (cited by Labcorp Genetics (formerly Invitae), Labcorp); PubMed 24423310 (cited by Labcorp Genetics (formerly Invitae), Labcorp); PubMed 24735383 (cited by Labcorp Genetics (formerly Invitae), Labcorp).